The following is an entry in ClinVar:

ClinVar aggregate classification (germline): Uncertain significance. Review status: criteria provided, multiple submitters, no conflicts (2 of 4 stars). 5 submissions from 5 submitters: Uncertain significance (5). Last evaluated 2025-02-03.

Conditions:
Inborn genetic diseases. Identifiers: MedGen C0950123, MeSH D030342.
Congenital muscular dystrophy due to partial LAMA2 deficiency. Identifiers: MedGen C1842898.
LAMA2-related disorder. Also called: LAMA2-related disorders; LAMA2-related condition.
LAMA2-related muscular dystrophy (LAMA2-RD). Also called: Laminin alpha 2-related dystrophy. Identifiers: MedGen C5679788, MONDO:0100228.

Allele frequency attached by ClinVar (database versions not stated): gnomAD 0.00001 and 0.00003; gnomAD exomes 0.00002 and 0.00003; TOPMed 0.00002; ExAC 0.00005.
gnomAD v4.1: 50 of 1,598,168 alleles (0.0031%); highest among the groups gnomAD compares: South Asian, 0.0068%; no homozygotes.

Submissions (5):

Labcorp Genetics (formerly Invitae), Labcorp
Classification: Uncertain significance for LAMA2-related muscular dystrophy. Last evaluated: 2025-02-03. Review status: criteria provided, single submitter. Criteria: Invitae Variant Classification Sherloc (09022015). Collection method: clinical testing. Allele origin: germline.
Comment: This sequence change replaces alanine, which is neutral and non-polar, with glutamic acid, which is acidic and polar, at codon 33 of the LAMA2 protein (p.Ala33Glu). The frequency data for this variant in the population databases is considered unreliable, as metrics indicate poor data quality at this position in the gnomAD database. This variant has not been reported in the literature in individuals affected with LAMA2-related conditions. ClinVar contains an entry for this variant (Variation ID: 355239). Invitae Evidence Modeling of protein sequence and biophysical properties (such as structural, functional, and spatial information, amino acid conservation, physicochemical variation, residue mobility, and thermodynamic stability) indicates that this missense variant is not expected to disrupt LAMA2 protein function with a negative predictive value of 95%. In summary, the available evidence is currently insufficient to determine the role of this variant in disease. Therefore, it has been classified as a Variant of Uncertain Significance.

PreventionGenetics, part of Exact Sciences
Classification: Uncertain significance for LAMA2-related condition. Last evaluated: 2023-04-18. Review status: criteria provided, single submitter. Criteria: ACMG Guidelines, 2015. Collection method: clinical testing. Allele origin: germline.
Comment: The LAMA2 c.98C>A variant is predicted to result in the amino acid substitution p.Ala33Glu. To our knowledge, this variant has not been reported in the literature. This variant is reported in 0.0073% of alleles in individuals of South Asian descent in gnomAD. At this time, the clinical significance of this variant is uncertain due to the absence of conclusive functional and genetic evidence.

Ambry Genetics
Classification: Uncertain significance for Inborn genetic diseases. Last evaluated: 2021-05-10. Review status: criteria provided, single submitter. Criteria: Ambry Variant Classification Scheme 2023. Collection method: clinical testing. Allele origin: germline.

GeneDx
Classification: Uncertain significance. Last evaluated: 2019-06-28. Review status: criteria provided, single submitter. Criteria: GeneDx Variant Classification Process June 2021. Collection method: clinical testing. Allele origin: germline. Affected: yes.
Comment: Has not been previously published as pathogenic or benign to our knowledge; Not observed at a significant frequency in large population cohorts (Lek et al., 2016); In silico analysis, which includes protein predictors and evolutionary conservation, supports that this variant does not alter protein structure/function

Illumina Laboratory Services, Illumina
Classification: Uncertain significance for Congenital muscular dystrophy due to partial LAMA2 deficiency. Last evaluated: 2018-01-12. Review status: criteria provided, single submitter. Criteria: ICSL Variant Classification Criteria 13 December 2019. Collection method: clinical testing. Allele origin: germline.

NM_000426.4(LAMA2):c.98C>A (p.Ala33Glu)

Gene: LAMA2 (laminin subunit alpha 2; plus strand). Cytogenetic location: 6q22.33.
Variant type: single nucleotide variant.
Coding change: c.98C>A on transcript NM_000426.4 (MANE Select); coding-DNA position 98, C replaced by A.
Protein change: p.Ala33Glu; replaces alanine 33 with glutamic acid.
Molecular consequence: missense variant.
Genome position (GRCh38, 1-based): chr6:128,883,343, C>A. VCF-style: chr6-128883343-C-A. GRCh37 (hg19) VCF-style: chr6-129204488-C-A.
Other names: c.98C>A, p.Ala33Glu (NM_001079823.2); short protein forms A33E.
Identifiers: ClinVar variation 355239 (VCV000355239.14), dbSNP rs750280423, ClinGen allele CA3992208.